The following is an entry in ClinVar:

ClinVar aggregate classification (germline): Uncertain significance (1 of 4 stars; one submission).

Conditions:
Progressive sclerosing poliodystrophy (MTDPS4A). Also called: Mitochondrial DNA depletion syndrome 4A (Alpers type); ALPERS PROGRESSIVE INFANTILE POLIODYSTROPHY; NEURONAL DEGENERATION OF CHILDHOOD WITH LIVER DISEASE, PROGRESSIVE; Alpers Syndrome; ALPERS DIFFUSE DEGENERATION OF CEREBRAL GRAY MATTER WITH HEPATIC CIRRHOSIS; Alpers-Huttenlocher Syndrome. Identifiers: Orphanet 726, MedGen C0205710, MONDO:0008758, OMIM 203700.

Allele frequency attached by ClinVar (database versions not stated): gnomAD exomes below 0.00001.
gnomAD v4.1: 3 of 1,614,218 alleles (0.00019%); highest among the groups gnomAD compares: Middle Eastern, 0.033%; no homozygotes.

Submission:

Labcorp Genetics (formerly Invitae), Labcorp
Classification: Uncertain significance for Progressive sclerosing poliodystrophy. Last evaluated: 2024-05-09. Review status: criteria provided, single submitter. Criteria: Invitae Variant Classification Sherloc (09022015). Collection method: clinical testing. Allele origin: germline.
Comment: This sequence change replaces lysine, which is basic and polar, with glutamic acid, which is acidic and polar, at codon 501 of the POLG protein (p.Lys501Glu). This variant is not present in population databases (gnomAD no frequency). This variant has not been reported in the literature in individuals affected with POLG-related conditions. ClinVar contains an entry for this variant (Variation ID: 2185528). Advanced modeling of protein sequence and biophysical properties (such as structural, functional, and spatial information, amino acid conservation, physicochemical variation, residue mobility, and thermodynamic stability) performed at Invitae indicates that this missense variant is not expected to disrupt POLG protein function with a negative predictive value of 95%. In summary, the available evidence is currently insufficient to determine the role of this variant in disease. Therefore, it has been classified as a Variant of Uncertain Significance.

NM_002693.3(POLG):c.1501A>G (p.Lys501Glu)

Gene: POLG (DNA polymerase gamma, catalytic subunit; minus strand). Cytogenetic location: 15q26.1.
Variant type: single nucleotide variant.
Coding change: c.1501A>G on transcript NM_002693.3 (MANE Select); coding-DNA position 1501, A replaced by G.
Protein change: p.Lys501Glu; replaces lysine 501 with glutamic acid.
Molecular consequence: missense variant.
Genome position (GRCh38, 1-based): chr15:89,326,996, T>C on the plus strand (A>G on the coding strand, the complement: POLG is on the minus strand). VCF-style: chr15-89326996-T-C. GRCh37 (hg19) VCF-style: chr15-89870227-T-C.
Other names: c.1501A>G, p.Lys501Glu (NM_001126131.2); short protein forms K501E.
Identifiers: ClinVar variation 2185528 (VCV002185528.3), dbSNP rs963293292, ClinGen allele CA274556200.
Genomic context (GRCh38, chr15:89,326,996, plus strand): 5'-GGGCCCCAGCCCCCTCGATGGGCAACTTGCTGGCTGTGGCTGGTTCCTTCTTCACCTTCT[T>C]AGCTTTCTTCTGCTTAAATTCTTGCAGGTCCCACTCCAGGTCCCAGAGCCAGGGGTCTTC-3'
Protein context (NP_002684.1, residues 491-511): DLQEFKQKKA[Lys501Glu]KVKKEPATAS